The following is an entry in ClinVar:

ClinVar aggregate classification (germline): Pathogenic. Review status: criteria provided, multiple submitters, no conflicts (2 of 4 stars). 2 submissions from 2 submitters: Pathogenic (2). Last evaluated 2023-09-08.

Conditions:
Familial cancer of breast. Also called: Hereditary breast cancer; BREAST CANCER, FAMILIAL; hereditary breast carcinoma. Identifiers: Orphanet 227535, MedGen C0346153, MONDO:0016419, OMIM 114480. Disease mechanism: loss of function.

Submissions (2):

Myriad Genetics, Inc.
Classification: Pathogenic for Familial cancer of breast. Last evaluated: 2023-09-08. Review status: criteria provided, single submitter. Criteria: Myriad Autosomal Dominant, Autosomal Recessive and X-Linked Classification Criteria (2023). Collection method: clinical testing. Allele origin: unknown.
Comment: This variant is considered pathogenic. This variant creates a frameshift predicted to result in premature protein truncation.

Labcorp Genetics (formerly Invitae), Labcorp
Classification: Pathogenic for Familial cancer of breast. Last evaluated: 2023-05-14. Review status: criteria provided, single submitter. Criteria: Invitae Variant Classification Sherloc (09022015). Collection method: clinical testing. Allele origin: germline.
Comment: For these reasons, this variant has been classified as Pathogenic. This variant has not been reported in the literature in individuals affected with PALB2-related conditions. This variant is not present in population databases (gnomAD no frequency). This sequence change creates a premature translational stop signal (p.Ser454Profs*31) in the PALB2 gene. It is expected to result in an absent or disrupted protein product. Loss-of-function variants in PALB2 are known to be pathogenic (PMID: 17200668, 17200671, 17200672, 24136930, 25099575).

Literature cited by the submitters: PubMed 17200668 (cited by Labcorp Genetics (formerly Invitae), Labcorp); PubMed 17200671 (cited by Labcorp Genetics (formerly Invitae), Labcorp); PubMed 17200672 (cited by Labcorp Genetics (formerly Invitae), Labcorp); PubMed 24136930 (cited by Labcorp Genetics (formerly Invitae), Labcorp); PubMed 25099575 (cited by Labcorp Genetics (formerly Invitae), Labcorp).

NM_024675.4(PALB2):c.1360del (p.Ser454fs)

Gene: PALB2 (partner and localizer of BRCA2; minus strand). Cytogenetic location: 16p12.2.
Variant type: Deletion.
Coding change: c.1360del on transcript NM_024675.4 (MANE Select); coding-DNA position 1360, one base deleted (T; older notation c.1360delT).
Protein change: p.Ser454fs; shifts the reading frame from serine 454.
Molecular consequence: frameshift variant. On other transcripts: intron variant (3).
Genome position (GRCh38, 1-based): chr16:23,635,186, A deleted on the plus strand (T on the coding strand, the reverse complement: PALB2 is on the minus strand); the first of 3 consecutive A bases (chr16:23,635,186-23,635,188); deleting any one gives the same sequence. VCF-style (leftmost placement, unchanged base first): chr16-23635185-GA-G. GRCh37 (hg19) VCF-style: chr16-23646506-GA-G.
Other names: c.1300del, p.Ser434fs (NM_001407296.1); c.1360del, p.Ser454fs (NM_001407297.1, NM_001407298.1, NM_001407299.1 and 3 more transcripts); c.475del, p.Ser159fs (NM_001407304.1, NM_001407305.1, NM_001407306.1 and 5 more transcripts); c.49-5911del (NM_001407314.1); c.-104-4717del (NM_001407313.1, NM_001407312.1); short protein forms S159fs, S434fs, S454fs.
Identifiers: ClinVar variation 2673866 (VCV002673866.4), dbSNP rs2506480353, ClinGen allele CA2695197481.